The following is an entry in ClinVar:

NM_001365536.1(SCN9A):c.4891C>T (p.Arg1631Cys)

Genes: SCN1A-AS1 (SCN1A and SCN9A antisense RNA 1; plus strand), SCN9A (sodium voltage-gated channel alpha subunit 9; minus strand). Cytogenetic location: 2q24.3.
Variant type: single nucleotide variant.
Coding change: c.4891C>T on transcript NM_001365536.1 (MANE Select); coding-DNA position 4891, C replaced by T.
Protein change: p.Arg1631Cys; replaces arginine 1631 with cysteine.
Molecular consequence: missense variant. On other transcripts: non-coding transcript variant (1).
Genome position (GRCh38, 1-based): chr2:166,199,748, G>A on the plus strand (C>T on the coding strand, the complement: SCN9A is on the minus strand). VCF-style: chr2-166199748-G-A. GRCh37 (hg19) VCF-style: chr2-167056258-G-A.
Other names: c.4858C>T, p.Arg1620Cys (NM_002977.4); short protein forms R1631C, R1620C.
Identifiers: ClinVar variation 838378 (VCV000838378.10), dbSNP rs202155356, ClinGen allele CA1943755.

ClinVar aggregate classification (germline): Uncertain significance (1 of 4 stars; one submission).

Conditions:
Neuropathy, hereditary sensory and autonomic, type 2A (HSAN2A). Also called: HSAN IIA; MORVAN DISEASE; NEUROPATHY, CONGENITAL SENSORY; NEUROPATHY, HEREDITARY SENSORY RADICULAR, AUTOSOMAL RECESSIVE; NEUROPATHY, HEREDITARY SENSORY, TYPE IIA; NEUROPATHY, PROGRESSIVE SENSORY, OF CHILDREN. Identifiers: Orphanet 970, MedGen C2752089, MONDO:0024309, OMIM 201300.
Generalized epilepsy with febrile seizures plus, type 7 (GEFSP7). Also called: GEFS+, TYPE 7. Identifiers: Orphanet 36387, MedGen C2751778, MONDO:0013470, OMIM 613863.

Allele frequency attached by ClinVar (database versions not stated): gnomAD exomes below 0.00001 and 0.00002; gnomAD 0.00001; TOPMed 0.00001; ExAC 0.00002.
gnomAD v4.1: 7 of 1,613,916 alleles (0.00043%); highest among the groups gnomAD compares: East Asian, 0.0022%; no homozygotes.

Submission:

Labcorp Genetics (formerly Invitae), Labcorp
Classification: Uncertain significance for Neuropathy, hereditary sensory and autonomic, type 2A; Generalized epilepsy with febrile seizures plus, type 7. Last evaluated: 2025-06-01. Review status: criteria provided, single submitter. Criteria: Invitae Variant Classification Sherloc (09022015). Collection method: clinical testing. Allele origin: germline.
Comment: This sequence change replaces arginine, which is basic and polar, with cysteine, which is neutral and slightly polar, at codon 1620 of the SCN9A protein (p.Arg1620Cys). This variant is present in population databases (rs202155356, gnomAD 0.02%). This variant has not been reported in the literature in individuals affected with SCN9A-related conditions. ClinVar contains an entry for this variant (Variation ID: 838378). Invitae Evidence Modeling of protein sequence and biophysical properties (such as structural, functional, and spatial information, amino acid conservation, physicochemical variation, residue mobility, and thermodynamic stability) has been performed for this missense variant. However, the output from this modeling did not meet the statistical confidence thresholds required to predict the impact of this variant on SCN9A protein function. In summary, the available evidence is currently insufficient to determine the role of this variant in disease. Therefore, it has been classified as a Variant of Uncertain Significance.